The following is an entry in ClinVar:

ClinVar aggregate classification (germline): Conflicting classifications of pathogenicity. Review status: criteria provided, conflicting classifications (1 of 4 stars). 4 submissions from 4 submitters: Uncertain significance (3); Likely benign (1). Last evaluated 2025-07-30.

Conditions:
Hereditary breast ovarian cancer syndrome. Also called: Hereditary breast and ovarian cancer; Hereditary breast and ovarian cancer syndrome; Breast and ovarian cancer; BRCA1- and BRCA2-Associated Hereditary Breast and Ovarian Cancer; Hereditary breast and/or ovarian cancer syndrome; Hereditary breast and ovarian cancer syndrome (HBOC). Identifiers: Orphanet 145, MedGen C0677776, MeSH D061325, MONDO:0003582. Disease mechanism: loss of function.
Hereditary cancer-predisposing syndrome. Also called: Tumor predisposition; Hereditary Cancer Syndrome; Hereditary neoplastic syndrome; Neoplastic Syndromes, Hereditary. Identifiers: Orphanet 140162, MedGen C0027672, MeSH D009386, MONDO:0015356.

Submissions (4):

Labcorp Genetics (formerly Invitae), Labcorp
Classification: Uncertain significance for Hereditary breast ovarian cancer syndrome. Last evaluated: 2025-07-30. Review status: criteria provided, single submitter. Criteria: Invitae Variant Classification Sherloc (09022015). Collection method: clinical testing. Allele origin: germline.
Comment: This sequence change replaces proline, which is neutral and non-polar, with leucine, which is neutral and non-polar, at codon 586 of the BRCA1 protein (p.Pro586Leu). This variant is not present in population databases (gnomAD no frequency). This variant has not been reported in the literature in individuals affected with BRCA1-related conditions. ClinVar contains an entry for this variant (Variation ID: 1444310). Invitae Evidence Modeling of protein sequence and biophysical properties (such as structural, functional, and spatial information, amino acid conservation, physicochemical variation, residue mobility, and thermodynamic stability) has been performed for this missense variant. However, the output from this modeling did not meet the statistical confidence thresholds required to predict the impact of this variant on BRCA1 protein function. In summary, the available evidence is currently insufficient to determine the role of this variant in disease. Therefore, it has been classified as a Variant of Uncertain Significance.

University of Washington Department of Laboratory Medicine, University of Washington
Classification: Likely benign for Hereditary cancer-predisposing syndrome. Last evaluated: 2023-03-23. Review status: criteria provided, single submitter. Criteria: Dines et al. (Genet Med. 2020). Collection method: curation. Allele origin: germline.
Comment: Missense variant in a coldspot region where missense variants are very unlikely to be pathogenic (PMID:31911673).

BRCA1 coldspot (exon 11 using historical exon numbering). Reclassification based on statistical prior probability

Women's Health and Genetics/Laboratory Corporation of America, LabCorp
Classification: Uncertain significance. Last evaluated: 2022-07-29. Review status: criteria provided, single submitter. Criteria: LabCorp Variant Classification Summary - May 2015. Collection method: clinical testing. Allele origin: germline.
Comment: Variant summary: BRCA1 c.1757C>T (p.Pro586Leu) results in a non-conservative amino acid change in the encoded protein sequence. Three of five in-silico tools predict a damaging effect of the variant on protein function. The variant was absent in 251004 control chromosomes (gnomAD). The available data on variant occurrences in the general population are insufficient to allow any conclusion about variant significance. c.1757C>T has been reported in the literature as somatic occurrence in an individual affected with ovarian cancer. The same individual also carried a potentially germline pathogenic BRCA2 variant (c.5164_5165del, p.Ser1722fs) (Yao_2022). This report does not provide unequivocal conclusions about association of the variant with Hereditary Breast And Ovarian Cancer Syndrome. To our knowledge, no experimental evidence demonstrating an impact on protein function has been reported. A ClinVar submitter (evaluation after 2014) cites the variant as uncertain significance. Based on the evidence outlined above, the variant was classified as uncertain significance.

Ambry Genetics
Classification: Uncertain significance for Hereditary cancer-predisposing syndrome. Last evaluated: 2022-04-02. Review status: criteria provided, single submitter. Criteria: Ambry Variant Classification Scheme 2023. Collection method: clinical testing. Allele origin: germline.
Comment: The p.P586L variant (also known as c.1757C>T), located in coding exon 9 of the BRCA1 gene, results from a C to T substitution at nucleotide position 1757. The proline at codon 586 is replaced by leucine, an amino acid with similar properties. This amino acid position is conserved. In addition, the in silico prediction for this alteration is inconclusive. Since supporting evidence is limited at this time, the clinical significance of this alteration remains unclear.

Literature cited by the submitters: PubMed 35186721 (cited by Women's Health and Genetics/Laboratory Corporation of America, LabCorp).

NM_007294.4(BRCA1):c.1757C>T (p.Pro586Leu)

Gene: BRCA1 (BRCA1 DNA repair associated; minus strand). Cytogenetic location: 17q21.31.
Variant type: single nucleotide variant.
Coding change: c.1757C>T on transcript NM_007294.4 (MANE Select); coding-DNA position 1757, C replaced by T.
Protein change: p.Pro586Leu; replaces proline 586 with leucine.
Molecular consequence: missense variant. On other transcripts: intron variant (137).
Genome position (GRCh38, 1-based): chr17:43,093,774, G>A on the plus strand (C>T on the coding strand, the complement: BRCA1 is on the minus strand). VCF-style: chr17-43093774-G-A. GRCh37 (hg19) VCF-style: chr17-41245791-G-A.
Other names: c.1544C>T, p.Pro515Leu (NM_001407571.1, NM_001407853.1, NM_001407894.1 and 9 more transcripts); c.1757C>T, p.Pro586Leu (NM_001407581.1, NM_001407582.1, NM_001407583.1 and 30 more transcripts); c.1754C>T, p.Pro585Leu (NM_001407587.1, NM_001407590.1, NM_001407591.1 and 22 more transcripts); c.1748C>T, p.Pro583Leu (NM_001407646.1, NM_001407647.1); c.1634C>T, p.Pro545Leu (NM_001407648.1, NM_001407664.1, NM_001407665.1 and 19 more transcripts); c.1631C>T, p.Pro544Leu (NM_001407649.1, NM_001407670.1, NM_001407671.1 and 11 more transcripts); c.1679C>T, p.Pro560Leu (NM_001407653.1, NM_001407654.1, NM_001407655.1 and 4 more transcripts); c.1676C>T, p.Pro559Leu (NM_001407659.1, NM_001407660.1, NM_001407661.1 and 1 more transcripts); and 40 more; short protein forms P539L, P586L, P474L, P475L, P516L, P519L, P498L, P538L.
Identifiers: ClinVar variation 1444310 (VCV001444310.12), dbSNP rs1064795270, ClinGen allele CA10598513.